The following is an entry in ClinVar:

ClinVar aggregate classification (germline): Pathogenic. Review status: reviewed by expert panel (3 of 4 stars). 10 submissions from 10 submitters: Pathogenic (1). 9 of the submissions do not count toward it. Last evaluated 2016-09-08.

Conditions:
Hereditary cancer-predisposing syndrome. Also called: Neoplastic Syndromes, Hereditary; Hereditary neoplastic syndrome; Hereditary Cancer Syndrome; Tumor predisposition. Identifiers: Orphanet 140162, MedGen C0027672, MeSH D009386, MONDO:0015356.
Hereditary breast ovarian cancer syndrome. Also called: Breast and ovarian cancer; BRCA1- and BRCA2-Associated Hereditary Breast and Ovarian Cancer; Hereditary breast and ovarian cancer syndrome (HBOC); Hereditary breast and/or ovarian cancer syndrome; Hereditary breast and ovarian cancer; Hereditary breast and ovarian cancer syndrome. Identifiers: Orphanet 145, MedGen C0677776, MeSH D061325, MONDO:0003582. Disease mechanism: loss of function.
Breast-ovarian cancer, familial, susceptibility to, 2 (BROVCA2). Also called: BRCA2 Hereditary Breast and Ovarian Cancer. Identifiers: Orphanet 145, MedGen C2675520, MONDO:0012933, OMIM 612555. Disease mechanism: loss of function.

Allele frequency attached by ClinVar (database versions not stated): gnomAD exomes below 0.00001; TOPMed below 0.00001.
gnomAD v4.1: 1 of 1,614,026 alleles (0.000062%); highest among the groups gnomAD compares: Non-Finnish European, 0.000085%; no homozygotes.

Submissions (10):

Evidence-based Network for the Interpretation of Germline Mutant Alleles (ENIGMA)
Classification: Pathogenic for Breast-ovarian cancer, familial, susceptibility to, 2. Last evaluated: 2016-09-08. Review status: reviewed by expert panel. Criteria: ENIGMA BRCA1/2 Classification Criteria (2015). Collection method: curation. Allele origin: germline.
Comment: Variant allele predicted to encode a truncated non-functional protein.

GeneDx
Classification: Pathogenic. Last evaluated: 2026-02-17. Review status: criteria provided, single submitter. Criteria: GeneDx Variant Classification Process June 2021. Collection method: clinical testing. Allele origin: germline. Not counted in ClinVar's aggregate classification.
Comment: Nonsense variant predicted to result in protein truncation or nonsense mediated decay in a gene for which loss of function is a known mechanism of disease; Not observed at significant frequency in large population cohorts (gnomAD); Truncating variants in this gene are considered pathogenic by a well-established clinical consortium and/or database; Also known as 1870C>T; This variant is associated with the following publications: (PMID: 28152038, 29446198, 28008555, 29339979, 29084914)

Color Diagnostics, LLC DBA Color Health
Classification: Pathogenic for Hereditary cancer-predisposing syndrome. Last evaluated: 2025-09-03. Review status: criteria provided, single submitter. Criteria: ACMG Guidelines, 2015. Collection method: clinical testing. Allele origin: germline. Not counted in ClinVar's aggregate classification.
Comment: This variant changes 1 nucleotide in exon 10 of the BRCA2 gene, creating a premature translation stop signal. This variant is expected to result in an absent or non-functional protein product. This variant has been reported in individuals with a personal or family history of breast and/or ovarian cancer (PMID: 28008555, 29084914, 29446198). A multifactorial analysis has reached a combined likelihood ratio (LR) of 1.101 based on reported LR for co-occurrence with a pathogenic variant and personal and family history for 2 carriers (PMID: 31853058). This variant has not been identified in the general population by the Genome Aggregation Database (gnomAD). Loss of BRCA2 function is a known mechanism of disease. Based on the available evidence, this variant is classified as Pathogenic.

Labcorp Genetics (formerly Invitae), Labcorp
Classification: Pathogenic for Hereditary breast ovarian cancer syndrome. Last evaluated: 2025-09-01. Review status: criteria provided, single submitter. Criteria: Invitae Variant Classification Sherloc (09022015). Collection method: clinical testing. Allele origin: germline. Not counted in ClinVar's aggregate classification.
Comment: This sequence change creates a premature translational stop signal (p.Gln548*) in the BRCA2 gene. It is expected to result in an absent or disrupted protein product. Loss-of-function variants in BRCA2 are known to be pathogenic (PMID: 20104584). This variant is not present in population databases (gnomAD no frequency). This premature translational stop signal has been observed in individual(s) with personal or family history of breast and/or ovarian cancer (PMID: 28008555, 29084914, 29339979). ClinVar contains an entry for this variant (Variation ID: 91754). For these reasons, this variant has been classified as Pathogenic.

Ambry Genetics
Classification: Pathogenic for Hereditary cancer-predisposing syndrome. Last evaluated: 2024-04-18. Review status: criteria provided, single submitter. Criteria: Ambry Variant Classification Scheme 2023. Collection method: clinical testing. Allele origin: germline. Not counted in ClinVar's aggregate classification.
Comment: The p.Q548* pathogenic mutation (also known as c.1642C>T), located in coding exon 9 of the BRCA2 gene, results from a C to T substitution at nucleotide position 1642. This changes the amino acid from a glutamine to a stop codon within coding exon 9. This variant is considered to be rare based on population cohorts in the Genome Aggregation Database (gnomAD). This alteration is expected to result in loss of function by premature protein truncation or nonsense-mediated mRNA decay. As such, this alteration is interpreted as a disease-causing mutation.

All of Us Research Program, National Institutes of Health
Classification: Pathogenic for Breast-ovarian cancer, familial, susceptibility to, 2. Last evaluated: 2023-07-19. Review status: criteria provided, single submitter. Criteria: ACMG Guidelines, 2015. Collection method: clinical testing. Allele origin: germline. Inheritance: Autosomal dominant inheritance. Observed: 2 variant alleles, 2 heterozygotes. Not counted in ClinVar's aggregate classification.
Comment: This variant changes 1 nucleotide in exon 10 of the BRCA2 gene, creating a premature translation stop signal. This variant is expected to result in an absent or non-functional protein product. This variant has been reported in individuals with a personal or family history of breast and/or ovarian cancer (PMID: 28008555, 29084914, 29446198). This variant has not been identified in the general population by the Genome Aggregation Database (gnomAD). Loss of BRCA2 function is a known mechanism of disease. Based on the available evidence, this variant is classified as Pathogenic.

This study involves interpretation of variants in research participants for the purpose of population health screening. Participant phenotype was not available at the time of variant classification. Additional details can be found in publication PMID: 35346344, PMCID: PMC8962531

Quest Diagnostics Nichols Institute San Juan Capistrano
Classification: Pathogenic. Last evaluated: 2021-05-18. Review status: criteria provided, single submitter. Criteria: Quest Diagnostics criteria. Collection method: clinical testing. Allele origin: unknown. Not counted in ClinVar's aggregate classification.
Comment: This nonsense variant causes the premature termination of BRCA2 protein synthesis. In addition, it has been described in individuals with breast cancer and ovarian cancer in the published literature (PMID: 29084914 (2018), 28008555 (2017)). This variant has not been reported in large, multi-ethnic general populations. Based on the available information, this variant is classified as pathogenic.

Consortium of Investigators of Modifiers of BRCA1/2 (CIMBA), c/o University of Cambridge
Classification: Pathogenic for Breast-ovarian cancer, familial, susceptibility to, 2. Last evaluated: 2015-10-02. Review status: criteria provided, single submitter. Criteria: CIMBA Mutation Classification guidelines May 2016. Collection method: clinical testing. Allele origin: germline. Not counted in ClinVar's aggregate classification.

Department of Medical Genetics, Oslo University Hospital
Classification: Pathogenic for Breast-ovarian cancer, familial, susceptibility to, 2. Last evaluated: 2015-07-01. Review status: criteria provided, single submitter. Criteria: ACMG Guidelines, 2015. Collection method: clinical testing. Allele origin: germline. Affected: yes. Observed: 3 variant alleles. Not counted in ClinVar's aggregate classification.

Sharing Clinical Reports Project (SCRP)
Classification: Pathogenic for Breast-ovarian cancer, familial 2. Last evaluated: 2010-09-08. Review status: no assertion criteria provided. Collection method: clinical testing. Allele origin: germline. Not counted in ClinVar's aggregate classification.

Literature cited by the submitters: PubMed 28008555 (cited by 4 submitters); PubMed 29084914 (cited by 5 submitters); PubMed 29446198 (cited by 3 submitters); PubMed 31853058 (cited by Color Diagnostics, LLC DBA Color Health); PubMed 20104584 (cited by Labcorp Genetics (formerly Invitae), Labcorp); PubMed 29339979 (cited by 3 submitters); PubMed 28152038 (cited by Quest Diagnostics Nichols Institute San Juan Capistrano).

NM_000059.4(BRCA2):c.1642C>T (p.Gln548Ter)

Gene: BRCA2 (BRCA2 DNA repair associated; plus strand). Cytogenetic location: 13q13.1.
Variant type: single nucleotide variant.
Coding change: c.1642C>T on transcript NM_000059.4 (MANE Select); coding-DNA position 1642, C replaced by T.
Protein change: p.Gln548Ter; replaces glutamine 548 with a stop codon.
Molecular consequence: nonsense.
Genome position (GRCh38, 1-based): chr13:32,333,120, C>T. VCF-style: chr13-32333120-C-T. GRCh37 (hg19) VCF-style: chr13-32907257-C-T.
Other names: 1870C>T; short protein forms Q548*.
Identifiers: ClinVar variation 91754 (VCV000091754.24), dbSNP rs398122729, ClinGen allele CA012735.